The following is an entry in ClinVar:

NM_000038.6(APC):c.974dup (p.His325fs)

Gene: APC (APC regulator of Wnt signaling pathway; plus strand). Cytogenetic location: 5q22.2.
Variant type: Duplication.
Coding change: c.974dup on transcript NM_000038.6 (MANE Select); coding-DNA position 974, one base duplicated (A; older notation c.974dupA).
Protein change: p.His325fs; shifts the reading frame from histidine 325.
Molecular consequence: frameshift variant. On other transcripts: intron variant (4).
Genome position (GRCh38, 1-based): chr5:112,819,006, A duplicated. VCF-style (leftmost placement, unchanged base first): chr5-112819005-C-CA. GRCh37 (hg19) VCF-style: chr5-112154702-C-CA.
Other names: c.974dup, p.His325fs (NM_001127510.3, NM_001354895.2, NM_001354896.2); c.920dup, p.His307fs (NM_001127511.3); c.1004dup, p.His335fs (NM_001354897.2); c.899dup, p.His300fs (NM_001354898.2); c.890dup, p.His297fs (NM_001354899.2); c.797dup, p.His266fs (NM_001354900.2, NM_001354901.2); c.125dup, p.His42fs (NM_001354906.2); c.964-263dup (NM_001354902.2); and 4 more; short protein forms H266fs, H307fs, H300fs, H335fs, H297fs, H325fs, H42fs.
Identifiers: ClinVar variation 640245 (VCV000640245.10), dbSNP rs1580527839, ClinGen allele CA915943472.

ClinVar aggregate classification (germline): Pathogenic (1 of 4 stars; one submission).

Conditions:
Familial adenomatous polyposis 1 (FAP1). Also called: POLYPOSIS, ADENOMATOUS INTESTINAL; FAMILIAL ADENOMATOUS POLYPOSIS 1, ATTENUATED. Identifiers: MedGen C2713442, MONDO:0021056, OMIM 175100. Disease mechanism: loss of function.

Submission:

Labcorp Genetics (formerly Invitae), Labcorp
Classification: Pathogenic for Familial adenomatous polyposis 1. Last evaluated: 2019-04-23. Review status: criteria provided, single submitter. Criteria: Invitae Variant Classification Sherloc (09022015). Collection method: clinical testing. Allele origin: germline.
Comment: This sequence change creates a premature translational stop signal (p.His325Glnfs*2) in the APC gene. It is expected to result in an absent or disrupted protein product. This variant is not present in population databases (ExAC no frequency). This variant has not been reported in the literature in individuals with APC-related disease. Loss-of-function variants in APC are known to be pathogenic (PMID: 17963004, 20685668). For these reasons, this variant has been classified as Pathogenic.

Literature cited by the submitters: PubMed 17963004; PubMed 20685668.